The following is an entry in ClinVar:

ClinVar aggregate classification (germline): Uncertain significance. Review status: criteria provided, multiple submitters, no conflicts (2 of 4 stars). 2 submissions from 2 submitters: Uncertain significance (2). Last evaluated 2023-11-21.

Conditions:
Autosomal dominant slowed nerve conduction velocity. Identifiers: Orphanet 140481, MedGen C1842357, MONDO:0011998, OMIM 608236.

Allele frequency attached by ClinVar (database versions not stated): ExAC 0.00001; gnomAD exomes 0.00001; gnomAD 0.00003; TOPMed 0.00003.
gnomAD v4.1: 17 of 1,614,092 alleles (0.0011%); highest among the groups gnomAD compares: Non-Finnish European, 0.0014%; no homozygotes.

Submissions (2):

Human Genetics Bochum, Ruhr University Bochum
Classification: Uncertain significance for Autosomal dominant slowed nerve conduction velocity. Last evaluated: 2023-11-21. Review status: criteria provided, single submitter. Criteria: ACMG Guidelines, 2015. Collection method: clinical testing. Allele origin: germline. Affected: yes.
Comment: ACMG criteria used to clasify this variant: PP3SUP

Ambry Genetics
Classification: Uncertain significance. Last evaluated: 2022-06-10. Review status: criteria provided, single submitter. Criteria: Ambry Variant Classification Scheme 2023. Collection method: clinical testing. Allele origin: germline.

NM_014629.4(ARHGEF10):c.2005T>G (p.Tyr669Asp)

Gene: ARHGEF10 (Rho guanine nucleotide exchange factor 10; plus strand). Cytogenetic location: 8p23.3.
Variant type: single nucleotide variant.
Coding change: c.2005T>G on transcript NM_014629.4 (MANE Select); coding-DNA position 2005, T replaced by G.
Protein change: p.Tyr669Asp; replaces tyrosine 669 with aspartic acid.
Molecular consequence: missense variant.
Genome position (GRCh38, 1-based): chr8:1,909,332, T>G. VCF-style: chr8-1909332-T-G. GRCh37 (hg19) VCF-style: chr8-1857498-T-G.
Other names: c.1891T>G, p.Tyr631Asp (NM_001308152.2); c.2005T>G, p.Tyr669Asp (NM_001308153.3); short protein forms Y631D, Y693D, Y669D.
Identifiers: ClinVar variation 2205841 (VCV002205841.3), dbSNP rs780286151, ClinGen allele CA4600679.